The following is an entry in ClinVar:

ClinVar aggregate classification (germline): Conflicting classifications of pathogenicity. Review status: criteria provided, conflicting classifications (1 of 4 stars). 5 submissions from 5 submitters: Uncertain significance (3); Likely benign (2). Last evaluated 2026-07-06.

Conditions:
Autosomal recessive limb-girdle muscular dystrophy type 2J (LGMDR10). Also called: Limb-girdle muscular dystrophy, type 2J; MUSCULAR DYSTROPHY, LIMB-GIRDLE, AUTOSOMAL RECESSIVE 10. Identifiers: Orphanet 140922, MedGen C1837342, MONDO:0012127, OMIM 608807.
Dilated cardiomyopathy 1G (CMD1G). Identifiers: Orphanet 154, MedGen C1858763, MONDO:0011400, OMIM 604145.
TTN-related disorder. Also called: TTN-related condition; TTN-related disease; TTN-related disorders.
Myopathy, myofibrillar, 9, with early respiratory failure (MFM9). Also called: Hereditary myopathy with early respiratory failure; EDSTROM MYOPATHY; MYOPATHY, PROXIMAL, WITH EARLY RESPIRATORY MUSCLE INVOLVEMENT; Myopathy, distal, with early respiratory failure, autosomal dominant. Identifiers: Orphanet 178464, Orphanet 34521, MedGen C1863599, MONDO:0011362, OMIM 603689.
Early-onset myopathy with fatal cardiomyopathy (CMYO5). Also called: Salih Myopathy; CONGENITAL MYOPATHY 5 WITH CARDIOMYOPATHY. Identifiers: Orphanet 289377, MedGen C2673677, MONDO:0012714, OMIM 611705. Disease mechanism: loss of function.
Tibial muscular dystrophy (TMD). Also called: Udd Distal Myopathy – Tibial Muscular Dystrophy; UDD MYOPATHY; Tibial muscular dystrophy, tardive. Identifiers: Orphanet 609, MedGen C1838244, MONDO:0010870, OMIM 600334.
Hypertrophic cardiomyopathy 9. Also called: Familial hypertrophic cardiomyopathy 9. Identifiers: MedGen C1861065, MONDO:0013412, OMIM 613765.

Allele frequency attached by ClinVar (database versions not stated): 1000 Genomes Project 30x 0.00016; TOPMed 0.00018.
gnomAD v4.1: 73 of 1,613,764 alleles (0.0045%); highest among the groups gnomAD compares: African/African-American, 0.091%; no homozygotes.

Submissions (5):

PreventionGenetics, part of Exact Sciences
Classification: Uncertain significance for TTN-related condition. Last evaluated: 2026-07-06. Review status: criteria provided, single submitter. Criteria: ACMG Guidelines, 2015. Collection method: clinical testing. Allele origin: germline.
Comment: The TTN c.94282C>G variant is predicted to result in the amino acid substitution p.Arg31428Gly. To our knowledge, this variant has not been reported in the literature. This variant is reported in 0.12% of alleles in individuals of African descent in gnomAD. Although we suspect that this variant may be benign, at this time, the clinical significance of this variant is uncertain due to the absence of conclusive functional and genetic evidence.

Labcorp Genetics (formerly Invitae), Labcorp
Classification: Likely benign for Dilated cardiomyopathy 1G; Autosomal recessive limb-girdle muscular dystrophy type 2J. Last evaluated: 2026-02-01. Review status: criteria provided, single submitter. Criteria: Invitae Variant Classification Sherloc (09022015). Collection method: clinical testing. Allele origin: germline.

Fulgent Genetics
Classification: Uncertain significance for Tibial muscular dystrophy; Myopathy, myofibrillar, 9, with early respiratory failure; Dilated cardiomyopathy 1G; Autosomal recessive limb-girdle muscular dystrophy type 2J; Early-onset myopathy with fatal cardiomyopathy; Hypertrophic cardiomyopathy 9. Last evaluated: 2024-04-29. Review status: criteria provided, single submitter. Criteria: ACMG Guidelines, 2015. Collection method: clinical testing. Allele origin: germline.

Revvity Omics, Revvity
Classification: Uncertain significance. Last evaluated: 2023-01-27. Review status: criteria provided, single submitter. Criteria: ACMG Guidelines, 2015. Collection method: clinical testing. Allele origin: germline.

GeneDx
Classification: Likely benign. Last evaluated: 2017-04-05. Review status: criteria provided, single submitter. Criteria: GeneDx Variant Classification (06012015). Collection method: clinical testing. Allele origin: germline. Affected: yes.
Comment: This variant is considered likely benign or benign based on one or more of the following criteria: it is a conservative change, it occurs at a poorly conserved position in the protein, it is predicted to be benign by multiple in silico algorithms, and/or has population frequency not consistent with disease.

NM_001267550.2(TTN):c.94282C>G (p.Arg31428Gly)

Genes: TTN (titin; minus strand), TTN-AS1 (TTN antisense RNA 1; plus strand). Cytogenetic location: 2q31.2.
Variant type: single nucleotide variant.
Coding change: c.94282C>G on transcript NM_001267550.2 (MANE Select); coding-DNA position 94282, C replaced by G.
Protein change: p.Arg31428Gly; replaces arginine 31428 with glycine.
Molecular consequence: missense variant.
Genome position (GRCh38, 1-based): chr2:178,547,243, G>C on the plus strand (C>G on the coding strand, the complement: TTN is on the minus strand). VCF-style: chr2-178547243-G-C. GRCh37 (hg19) VCF-style: chr2-179411970-G-C.
Other names: c.89359C>G, p.Arg29787Gly (NM_001256850.1); c.67087C>G, p.Arg22363Gly (NM_003319.4); c.86578C>G, p.Arg28860Gly (NM_133378.4); c.67462C>G, p.Arg22488Gly (NM_133432.3); c.67663C>G, p.Arg22555Gly (NM_133437.4); short protein forms R29787G, R31428G, R22363G, R28860G, R22488G, R22555G.
Identifiers: ClinVar variation 506669 (VCV000506669.16), dbSNP rs190282707, ClinGen allele CA1987153.
Genomic context (GRCh38, chr2:178,547,243, plus strand): 5'-TCTTCTCAACCCAGTAGCCAATGATTTTACTGCCACCATCGTGGTAGGGTTCTTCCCAAC[G>C]AATAGACATGGCATTGGCAGACACATGGTAGACCTCAGGTCTGGTAGGAGCGCTTGGTGG-3'
Protein context (NP_001254479.2, residues 31418-31438): YHVSANAMSI[Arg31428Gly]WEEPYHDGGS